The following is an entry in ClinVar:

NM_001070.5(TUBG1):c.1148G>T (p.Ser383Ile)

Gene: TUBG1 (tubulin gamma 1; plus strand). Cytogenetic location: 17q21.2.
Variant type: single nucleotide variant.
Coding change: c.1148G>T on transcript NM_001070.5 (MANE Select); coding-DNA position 1148, G replaced by T.
Protein change: p.Ser383Ile; replaces serine 383 with isoleucine.
Molecular consequence: missense variant.
Genome position (GRCh38, 1-based): chr17:42,614,647, G>T. VCF-style: chr17-42614647-G-T. GRCh37 (hg19) VCF-style: chr17-40766665-G-T.
Other names: short protein forms S383I.
Identifiers: ClinVar variation 3345768 (VCV003345768.1).

ClinVar aggregate classification (germline): Uncertain significance (0 of 4 stars; one submission).

Conditions:
TUBG1-related disorder. Also called: TUBG1-related condition.

Submission:

PreventionGenetics, part of Exact Sciences
Classification: Uncertain significance for TUBG1-related condition. Last evaluated: 2024-09-25. Review status: no assertion criteria provided. Collection method: clinical testing. Allele origin: germline.
Comment: The TUBG1 c.1148G>T variant is predicted to result in the amino acid substitution p.Ser383Ile. To our knowledge, this variant has not been reported in the literature or in a large population database, indicating it is rare. At this time, the clinical significance of this variant is uncertain due to the absence of conclusive functional and genetic evidence.